The following is an entry in ClinVar:

ClinVar aggregate classification (germline): Uncertain significance (1 of 4 stars; one submission).

Submission:

GeneDx
Classification: Uncertain significance. Last evaluated: 2026-05-08. Review status: criteria provided, single submitter. Criteria: GeneDx Variant Classification Process June 2021. Collection method: clinical testing. Allele origin: germline.
Comment: Not observed at significant frequency in large population cohorts (gnomAD); Frameshift variant predicted to result in protein truncation or nonsense mediated decay in a gene or region of a gene for which loss of function is not a well-established mechanism of disease; Has not been previously published as pathogenic or benign to our knowledge

NM_032108.4(SEMA6B):c.863del (p.Ala288fs)

Gene: SEMA6B (semaphorin 6B; minus strand). Cytogenetic location: 19p13.3.
Variant type: Deletion.
Coding change: c.863del on transcript NM_032108.4 (MANE Select); coding-DNA position 863, one base deleted (C; older notation c.863delC).
Protein change: p.Ala288fs; shifts the reading frame from alanine 288.
Molecular consequence: frameshift variant.
Genome position (GRCh38, 1-based): chr19:4,552,548, G deleted on the plus strand (C on the coding strand, the reverse complement: SEMA6B is on the minus strand). VCF-style (leftmost placement, unchanged base first): chr19-4552547-CG-C. GRCh37 (hg19) VCF-style: chr19-4552559-CG-C.
Other names: short protein forms A288fs.
Identifiers: ClinVar variation 1722805 (VCV001722805.3), dbSNP rs2512192020, ClinGen allele CA2580096995.